The following is an entry in ClinVar:

ClinVar aggregate classification (germline): Uncertain significance (1 of 4 stars; one submission).

Conditions:
Retinoblastoma (RB1). Also called: RETINOBLASTOMA, SOMATIC. Identifiers: Orphanet 790, MedGen C0035335, MeSH D012175, MONDO:0008380, OMIM 180200, HP:0009919. Disease mechanism: loss of function. Inheritance: Both sporadic and heritable forms are tested..

Submission:

Labcorp Genetics (formerly Invitae), Labcorp
Classification: Uncertain significance for Retinoblastoma. Last evaluated: 2022-06-11. Review status: criteria provided, single submitter. Criteria: Invitae Variant Classification Sherloc (09022015). Collection method: clinical testing. Allele origin: germline.
Comment: This variant results in a copy number gain of the genomic region encompassing exon(s) 24-27 of the RB1 gene. This region includes the termination codon of the gene. This copy number gain extends beyond the assayed region for this gene and therefore may encompass additional genes. As the precise location of this event is unknown, it may be in tandem or it may be located elsewhere in the genome. This variant has not been reported in the literature in individuals affected with RB1-related conditions. In summary, the available evidence is currently insufficient to determine the role of this variant in disease. Therefore, it has been classified as a Variant of Uncertain Significance.

NC_000013.10:g.(?_49046098)_(49054207_?)dup

Gene: RB1 (RB transcriptional corepressor 1; plus strand). Cytogenetic location: 13q14.2.
Variant type: Duplication.
Identifiers: ClinVar variation 2422883 (VCV002422883.4).